The following is an entry in ClinVar:

ClinVar aggregate classification (germline): Pathogenic/Likely pathogenic. Review status: criteria provided, multiple submitters, no conflicts (2 of 4 stars). 3 submissions from 3 submitters: Pathogenic (1); Likely pathogenic (2). Last evaluated 2025-09-10.

Conditions:
Temtamy syndrome (TEMTYS). Also called: MENTAL RETARDATION WITH OR WITHOUT CRANIOFACIAL DYSMORPHISM, OCULAR COLOBOMA, OR ABNORMAL CORPUS CALLOSUM. Identifiers: Orphanet 1777, MedGen C1857512, MONDO:0009033, OMIM 218340.

Submissions (3):

Genomic Medicine Center of Excellence, King Faisal Specialist Hospital and Research Centre
Classification: Likely pathogenic for Temtamy syndrome. Last evaluated: 2025-09-10. Review status: criteria provided, single submitter. Criteria: ACMG Guidelines, 2015. Collection method: clinical testing. Allele origin: germline.

Variantyx, Inc.
Classification: Likely pathogenic for Temtamy syndrome. Last evaluated: 2025-05-29. Review status: criteria provided, single submitter. Criteria: Variantyx Assertion Criteria 2022. Collection method: clinical testing. Allele origin: germline. Inheritance: Autosomal recessive inheritance. Affected: no.
Comment: This is a start-loss variant in the C12orf57 gene (OMIM: 615140). Pathogenic variants in this gene have been associated with autosomal recessive Temtamy syndrome. This variant results in loss of the initiation codonand is expected to result in loss of function, which is a known disease mechanism for C12orf57 in this disorder (PMID: 23453666) (PVS1). This variant has a 0.0022% maximum allele frequency in non-founder control populations (PM2). Based on the current evidence, this variant is classified as likely pathogenic for autosomal recessive Temtamy syndrome.

Labcorp Genetics (formerly Invitae), Labcorp
Classification: Pathogenic for Temtamy syndrome. Last evaluated: 2025-01-08. Review status: criteria provided, single submitter. Criteria: Invitae Variant Classification Sherloc (09022015). Collection method: clinical testing. Allele origin: germline.
Comment: This sequence change affects the initiator methionine of the C12orf57 mRNA. The next in-frame methionine is located at codon 36. This variant is present in population databases (no rsID available, gnomAD 0.003%). Disruption of the initiator codon has been observed in individuals with clinical features of Temtamy syndrome (PMID: 23453666, 23633300, 24798461, 28097321, 28454995, 28600779, 29383837). It is commonly reported in individuals of Middle Eastern ancestry ancestry (PMID: 28600779, 29383837). Studies have shown that disruption of the initiator codon alters C12orf57 gene expression (PMID: 23453666). For these reasons, this variant has been classified as Pathogenic.

Literature cited by the submitters: PubMed 23453666 (cited by Variantyx, Inc. and Labcorp Genetics (formerly Invitae), Labcorp); PubMed 23633300 (cited by Labcorp Genetics (formerly Invitae), Labcorp); PubMed 24798461 (cited by Labcorp Genetics (formerly Invitae), Labcorp); PubMed 28097321 (cited by Labcorp Genetics (formerly Invitae), Labcorp); PubMed 28454995 (cited by Labcorp Genetics (formerly Invitae), Labcorp); PubMed 28600779 (cited by Labcorp Genetics (formerly Invitae), Labcorp); PubMed 29383837 (cited by Labcorp Genetics (formerly Invitae), Labcorp).

NM_138425.4(C12orf57):c.2T>G (p.Met1Arg)

Gene: C12orf57 (chromosome 12 open reading frame 57; plus strand). Cytogenetic location: 12p13.31.
Variant type: single nucleotide variant.
Coding change: c.2T>G on transcript NM_138425.4 (MANE Select); coding-DNA position 2, T replaced by G.
Protein change: p.Met1Arg; changes the start codon (methionine 1).
Molecular consequence: missense variant, initiator codon variant. On other transcripts: 5 prime UTR variant (1), non-coding transcript variant (1), intron variant (1).
Genome position (GRCh38, 1-based): chr12:6,944,123, T>G. VCF-style: chr12-6944123-T-G. GRCh37 (hg19) VCF-style: chr12-7053286-T-G.
Other names: c.2T>G, p.Met1Arg (NM_001301834.1, NM_001301837.2); c.-200T>G (NM_001301838.2); c.14-353T>G (NM_001301836.2); short protein forms M1R.
Identifiers: ClinVar variation 3625607 (VCV003625607.4).